The following is an entry in ClinVar:

NM_005477.3(HCN4):c.724C>T (p.Arg242Cys)

Gene: HCN4 (hyperpolarization activated cyclic nucleotide gated potassium channel 4; minus strand). Cytogenetic location: 15q24.1.
Variant type: single nucleotide variant.
Coding change: c.724C>T on transcript NM_005477.3 (MANE Select); coding-DNA position 724, C replaced by T.
Protein change: p.Arg242Cys; replaces arginine 242 with cysteine.
Molecular consequence: missense variant.
Genome position (GRCh38, 1-based): chr15:73,367,547, G>A on the plus strand (C>T on the coding strand, the complement: HCN4 is on the minus strand). VCF-style: chr15-73367547-G-A. GRCh37 (hg19) VCF-style: chr15-73659888-G-A.
Other names: p.Arg242Cys; short protein forms R242C.
Identifiers: ClinVar variation 240173 (VCV000240173.15), dbSNP rs745880598, ClinGen allele CA7649433.

ClinVar aggregate classification (germline): Uncertain significance. Review status: criteria provided, multiple submitters, no conflicts (2 of 4 stars). 6 submissions from 6 submitters: Uncertain significance (6). Last evaluated 2025-12-16.

Conditions:
Cardiovascular phenotype. Identifiers: MedGen CN230736.
Brugada syndrome 8 (BRGDA8). Identifiers: Orphanet 130, MedGen C2751083, MONDO:0013148, OMIM 613123.
Hypertrophic cardiomyopathy. Also called: HYPERTROPHIC MYOCARDIOPATHY. Identifiers: Orphanet 217569, MedGen C0007194, MeSH D002312, MONDO:0005045, HP:0001639.

Allele frequency attached by ClinVar (database versions not stated): gnomAD 0.00008 and 0.00007; gnomAD exomes 0.00001 and 0.00003; ExAC 0.00003; TOPMed 0.00007.
gnomAD v4.1: 25 of 1,613,938 alleles (0.0015%); highest among the groups gnomAD compares: African/African-American, 0.027%; no homozygotes.

Submissions (6):

Labcorp Genetics (formerly Invitae), Labcorp
Classification: Uncertain significance for Brugada syndrome 8. Last evaluated: 2025-12-16. Review status: criteria provided, single submitter. Criteria: Invitae Variant Classification Sherloc (09022015). Collection method: clinical testing. Allele origin: germline.
Comment: This sequence change replaces arginine, which is basic and polar, with cysteine, which is neutral and slightly polar, at codon 242 of the HCN4 protein (p.Arg242Cys). This variant is present in population databases (rs745880598, gnomAD 0.02%). This missense change has been observed in individual(s) with hypertrophic cardiomyopathy (PMID: 29255176). ClinVar contains an entry for this variant (Variation ID: 240173). Invitae Evidence Modeling of protein sequence and biophysical properties (such as structural, functional, and spatial information, amino acid conservation, physicochemical variation, residue mobility, and thermodynamic stability) has been performed for this missense variant. However, the output from this modeling did not meet the statistical confidence thresholds required to predict the impact of this variant on HCN4 protein function. In summary, the available evidence is currently insufficient to determine the role of this variant in disease. Therefore, it has been classified as a Variant of Uncertain Significance.

Ambry Genetics
Classification: Uncertain significance for Cardiovascular phenotype. Last evaluated: 2025-03-17. Review status: criteria provided, single submitter. Criteria: Ambry Variant Classification Scheme 2023. Collection method: clinical testing. Allele origin: germline.
Comment: The p.R242C variant (also known as c.724C>T), located in coding exon 1 of the HCN4 gene, results from a C to T substitution at nucleotide position 724. The arginine at codon 242 is replaced by cysteine, an amino acid with highly dissimilar properties. This alteration has been reported in a primary arrhythmia and cardiomyopathy cohort (Robyns T et al. Eur J Hum Genet, 2017 12;25:1313-1323). This amino acid position is well conserved in available vertebrate species. In addition, the in silico prediction for this alteration is inconclusive. Since supporting evidence is limited at this time, the clinical significance of this alteration remains unclear.

Women's Health and Genetics/Laboratory Corporation of America, LabCorp
Classification: Uncertain significance. Last evaluated: 2024-10-16. Review status: criteria provided, single submitter. Criteria: LabCorp Variant Classification Summary - May 2015. Collection method: clinical testing. Allele origin: germline.
Comment: Variant summary: HCN4 c.724C>T (p.Arg242Cys) results in a non-conservative amino acid change located in the Ion transport N-terminal domain of the encoded protein sequence. Four of five in-silico tools predict a damaging effect of the variant on protein function. The variant allele was found at a frequency of 3.2e-05 in 251140 control chromosomes. The available data on variant occurrences in the general population are insufficient to allow any conclusion about variant significance. c.724C>T has been reported in the literature in a family affected with hypertrophic cardiomyopathy, however authors classified the variant as VUS (example: Robyns_2017) . These report(s) do not provide unequivocal conclusions about association of the variant with Sick Sinus Syndrome 2. To our knowledge, no experimental evidence demonstrating an impact on protein function has been reported. The following publication has been ascertained in the context of this evaluation (PMID: 29255176). ClinVar contains an entry for this variant (Variation ID: 240173). Based on the evidence outlined above, the variant was classified as uncertain significance.

Mayo Clinic Laboratories, Mayo Clinic
Classification: Uncertain significance. Last evaluated: 2023-12-12. Review status: criteria provided, single submitter. Criteria: ACMG Guidelines, 2015. Collection method: clinical testing. Allele origin: germline. Observed: 3 variant alleles.

GeneDx
Classification: Uncertain significance. Last evaluated: 2022-08-26. Review status: criteria provided, single submitter. Criteria: GeneDx Variant Classification Process June 2021. Collection method: clinical testing. Allele origin: germline. Affected: yes.
Comment: In silico analysis supports that this missense variant has a deleterious effect on protein structure/function; Has not been previously published as pathogenic or benign to our knowledge

Center for Human Genetics, University of Leuven
Classification: Uncertain significance for Hypertrophic cardiomyopathy. Last evaluated: 2017-04-30. Review status: criteria provided, single submitter. Criteria: ACMG Guidelines, 2015. Collection method: clinical testing. Allele origin: germline. Inheritance: Autosomal dominant inheritance. Affected: yes.

Literature cited by the submitters: PubMed 29255176 (cited by 4 submitters).